The following is an entry in ClinVar:

ClinVar aggregate classification (germline): Uncertain significance (1 of 4 stars; one submission).

Conditions:
Familial thoracic aortic aneurysm and aortic dissection (TAAD). Also called: Thoracic aortic aneurysms and dissections. Identifiers: Orphanet 91387, MedGen C4707243, MONDO:0019625.

Submission:

Color Diagnostics, LLC DBA Color Health
Classification: Uncertain significance for Familial thoracic aortic aneurysm and aortic dissection. Last evaluated: 2025-08-10. Review status: criteria provided, single submitter. Criteria: ACMG Guidelines, 2015. Collection method: clinical testing. Allele origin: germline.
Comment: This variant is located in the 5' untranslated region of the TGFBR2 gene. To our knowledge, functional studies have not been reported for this variant. This variant has not been reported in individuals affected with TGFBR2-related disorders in the literature. This variant has not been identified in the general population by the Genome Aggregation Database (gnomAD). The available evidence is insufficient to determine the role of this variant in disease conclusively. Therefore, this variant is classified as a Variant of Uncertain Significance.

NM_003242.6(TGFBR2):c.-11C>G

Gene: TGFBR2 (transforming growth factor beta receptor 2; plus strand). Cytogenetic location: 3p24.1.
Variant type: single nucleotide variant.
Coding change: c.-11C>G on transcript NM_003242.6 (MANE Select); 11 bases upstream of the start codon, C replaced by G.
Molecular consequence: 5 prime UTR variant. On other transcripts: intron variant (2).
Genome position (GRCh38, 1-based): chr3:30,606,873, C>G. VCF-style: chr3-30606873-C-G. GRCh37 (hg19) VCF-style: chr3-30648365-C-G.
Other names: c.-11C>G (NM_001024847.3, NM_001407126.1, NM_001407127.1 and 4 more transcripts); c.-294C>G (NM_001407133.1); c.-172C>G (NM_001407134.1); c.-219C>G (NM_001407135.1); c.-304C>G (NM_001407136.1); c.-12+280C>G (NM_001407129.1, NM_001407132.1).
Identifiers: ClinVar variation 4757885 (VCV004757885.1).